The following is an entry in ClinVar:

NM_001322934.2(NFKB2):c.2042C>T (p.Pro681Leu)

Gene: NFKB2 (nuclear factor kappa B subunit 2; plus strand). Cytogenetic location: 10q24.32.
Variant type: single nucleotide variant.
Coding change: c.2042C>T on transcript NM_001322934.2 (MANE Select); coding-DNA position 2042, C replaced by T.
Protein change: p.Pro681Leu; replaces proline 681 with leucine.
Molecular consequence: missense variant.
Genome position (GRCh38, 1-based): chr10:102,401,020, C>T. VCF-style: chr10-102401020-C-T. GRCh37 (hg19) VCF-style: chr10-104160777-C-T.
Other names: c.2042C>T, p.Pro681Leu (NM_001077494.3, NM_001261403.3, NM_001288724.1 and 1 more transcripts); c.1916C>T, p.Pro639Leu (NM_001322935.1); short protein forms P681L, P639L.
Identifiers: ClinVar variation 1045155 (VCV001045155.8), dbSNP rs534798728, ClinGen allele CA5664959.

ClinVar aggregate classification (germline): Uncertain significance. Review status: criteria provided, multiple submitters, no conflicts (2 of 4 stars). 2 submissions from 2 submitters: Uncertain significance (2). Last evaluated 2026-01-22.

Conditions:
Immunodeficiency, common variable, 10. Also called: IMMUNODEFICIENCY, COMMON VARIABLE, WITH CENTRAL ADRENAL INSUFFICIENCY; DEFICIT IN ANTERIOR PITUITARY FUNCTION AND VARIABLE IMMUNODEFICIENCY. Identifiers: MedGen C3809991, MONDO:0014260, OMIM 615577.

Allele frequency attached by ClinVar (database versions not stated): ExAC 0.00003; gnomAD exomes 0.00003; gnomAD 0.00004; TOPMed 0.00004.
gnomAD v4.1: 59 of 1,613,948 alleles (0.0037%); highest among the groups gnomAD compares: Middle Eastern, 0.016%; no homozygotes.

Submissions (2):

Labcorp Genetics (formerly Invitae), Labcorp
Classification: Uncertain significance for Immunodeficiency, common variable, 10. Last evaluated: 2026-01-22. Review status: criteria provided, single submitter. Criteria: Invitae Variant Classification Sherloc (09022015). Collection method: clinical testing. Allele origin: germline.
Comment: This sequence change replaces proline, which is neutral and non-polar, with leucine, which is neutral and non-polar, at codon 681 of the NFKB2 protein (p.Pro681Leu). This variant is present in population databases (rs534798728, gnomAD 0.02%). This missense change has been observed in individual(s) with rectal inflammation (PMID: 36703223). ClinVar contains an entry for this variant (Variation ID: 1045155). An algorithm developed to predict the effect of missense changes on protein structure and function (PolyPhen-2) suggests that this variant is likely to be disruptive. In summary, the available evidence is currently insufficient to determine the role of this variant in disease. Therefore, it has been classified as a Variant of Uncertain Significance.

Dubai Health Genomic Medicine Center, Dubai Health
Classification: Uncertain significance. Last evaluated: 2022-12-17. Review status: criteria provided, single submitter. Criteria: ACMG Guidelines, 2015. Collection method: clinical testing. Allele origin: germline. Affected: yes.

Literature cited by the submitters: PubMed 36703223 (cited by Labcorp Genetics (formerly Invitae), Labcorp).